The following is an entry in ClinVar:

NM_002098.6(GUCA1B):c.-60A>G

Gene: GUCA1B (guanylate cyclase activator 1B; minus strand). Cytogenetic location: 6p21.1.
Variant type: single nucleotide variant.
Coding change: c.-60A>G on transcript NM_002098.6 (MANE Select); 60 bases upstream of the start codon, A replaced by G.
Molecular consequence: 5 prime UTR variant.
Genome position (GRCh38, 1-based): chr6:42,194,880, T>C on the plus strand (A>G on the coding strand, the complement: GUCA1B is on the minus strand). VCF-style: chr6-42194880-T-C. GRCh37 (hg19) VCF-style: chr6-42162618-T-C.
Identifiers: ClinVar variation 356740 (VCV000356740.5), dbSNP rs145820031, ClinGen allele CA10622094.
Genomic context (GRCh38, chr6:42,194,880, plus strand): 5'-TGCTAGCCCTGAGGAGCATCAGGGAGCAAGGGTCTGTATCTCCTCCCTGGCTTCTGCTGA[T>C]GGATCTCTCCAACTAGGGCCCTCTTCCTCCCTTTCCAGGAGGCCTGATCAGCCTCTCCAT-3'

ClinVar aggregate classification (germline): Benign (1 of 4 stars; one submission).

Conditions:
Retinitis pigmentosa (RP). Identifiers: Orphanet 791, MedGen C0035334, MeSH D012174, MONDO:0019200, OMIM 268000. Inheritance: Autosomal dominant, autosomal recessive and X linked inheritance.

Allele frequency attached by ClinVar (database versions not stated): gnomAD exomes 0.00047; TOPMed 0.00074; gnomAD 0.00077; 1000 Genomes Project 30x 0.00265; 1000 Genomes Project 0.00319.
gnomAD v4.1: 638 of 1,242,808 alleles (0.051%); highest among the groups gnomAD compares: East Asian, 1.3%; 2 homozygotes.

Submission:

Illumina Laboratory Services, Illumina
Classification: Benign for Retinitis pigmentosa. Last evaluated: 2018-01-13. Review status: criteria provided, single submitter. Criteria: ICSL Variant Classification Criteria 13 December 2019. Collection method: clinical testing. Allele origin: germline.
Comment: This variant was observed in the ICSL laboratory as part of a predisposition screen in an ostensibly healthy population. It had not been previously curated by ICSL or reported in the Human Gene Mutation Database (HGMD: prior to June 1st, 2018), and was therefore a candidate for classification through an automated scoring system. Utilizing variant allele frequency, disease prevalence and penetrance estimates, and inheritance mode, an automated score was calculated to assess if this variant is too frequent to cause the disease. Based on the score and internal cut-off values, a variant classified as benign is not then subjected to further curation. The score for this variant resulted in a classification of benign for this disease.